The following is an entry in ClinVar:

ClinVar aggregate classification (germline): Likely benign. Review status: criteria provided, multiple submitters, no conflicts (2 of 4 stars). 4 submissions from 4 submitters: Likely benign (4). Last evaluated 2025-08-21.

Conditions:
PLEC-related disorder. Also called: PLEC-related disorders; PLEC-related condition.
Autosomal recessive limb-girdle muscular dystrophy type 2Q (LGMDR17). Also called: MUSCULAR DYSTROPHY, LIMB-GIRDLE, AUTOSOMAL RECESSIVE 17. Identifiers: Orphanet 254361, MedGen C3150989, MONDO:0013390, OMIM 613723.
Epidermolysis bullosa simplex with nail dystrophy (EBS5D). Identifiers: MedGen C4225309, MONDO:0014661, OMIM 616487.
Epidermolysis bullosa simplex 5C, with pyloric atresia (EBS5C). Also called: PLEC-Related Epidermolysis Bullosa with Pyloric Atresia; Epidermolysis bullosa simplex with pyloric atresia; PLEC1-Related Epidermolysis Bullosa with Pyloric Atresia. Identifiers: Orphanet 158684, MedGen C2677349, MONDO:0012807, OMIM 612138.
Epidermolysis bullosa simplex, Ogna type (EBS5A). Also called: Pidermolysis bullosa simplex 5A, Ogna type; EPIDERMOLYSIS BULLOSA SIMPLEX 5A, OGNA TYPE. Identifiers: Orphanet 79401, MedGen C0432317, MONDO:0007555, OMIM 131950.
Epidermolysis bullosa simplex 5B, with muscular dystrophy (EBS5B). Also called: EPIDERMOLYSIS BULLOSA SIMPLEX AND LIMB-GIRDLE MUSCULAR DYSTROPHY; Epidermolysis bullosa simplex with muscular dystrophy. Identifiers: Orphanet 257, MedGen C2931072, MONDO:0009181, OMIM 226670.

Allele frequency attached by ClinVar (database versions not stated): ExAC 0.00002; gnomAD 0.00007 and 0.00009; TOPMed 0.00008.
gnomAD v4.1: 48 of 1,613,450 alleles (0.003%); highest among the groups gnomAD compares: African/African-American, 0.04%; no homozygotes.

Submissions (4):

Labcorp Genetics (formerly Invitae), Labcorp
Classification: Likely benign for Autosomal recessive limb-girdle muscular dystrophy type 2Q; Epidermolysis bullosa simplex, Ogna type; Epidermolysis bullosa simplex with nail dystrophy; Epidermolysis bullosa simplex 5C, with pyloric atresia; Epidermolysis bullosa simplex 5B, with muscular dystrophy. Last evaluated: 2025-08-21. Review status: criteria provided, single submitter. Criteria: Invitae Variant Classification Sherloc (09022015). Collection method: clinical testing. Allele origin: germline.

PreventionGenetics, part of Exact Sciences
Classification: Likely benign for PLEC-related condition. Last evaluated: 2025-02-12. Review status: criteria provided, single submitter. Criteria: ACMG Guidelines, 2015. Collection method: clinical testing. Allele origin: germline.
Comment: This variant is classified as likely benign based on ACMG/AMP sequence variant interpretation guidelines (Richards et al. 2015 PMID: 25741868, with internal and published modifications).

Blueprint Genetics
Classification: Likely benign. Last evaluated: 2024-10-23. Review status: criteria provided, single submitter. Criteria: ACMG Guidelines, 2015. Collection method: clinical testing. Allele origin: germline.

GeneDx
Classification: Likely benign. Last evaluated: 2020-06-15. Review status: criteria provided, single submitter. Criteria: GeneDx Variant Classification Process June 2021. Collection method: clinical testing. Allele origin: germline. Affected: yes.

NM_201384.3(PLEC):c.10671G>A (p.Val3557=)

Gene: PLEC (plectin; minus strand). Cytogenetic location: 8q24.3.
Variant type: single nucleotide variant.
Coding change: c.10671G>A on transcript NM_201384.3 (MANE Select); coding-DNA position 10671, G replaced by A.
Protein change: p.Val3557=; no amino-acid change (valine 3557 retained).
Molecular consequence: synonymous variant.
Genome position (GRCh38, 1-based): chr8:143,919,150, C>T on the plus strand (G>A on the coding strand, the complement: PLEC is on the minus strand). VCF-style: chr8-143919150-C-T. GRCh37 (hg19) VCF-style: chr8-144993318-C-T.
Other names: c.10752G>A, p.Val3584= (NM_000445.5); c.10629G>A, p.Val3543= (NM_201378.4); c.10605G>A, p.Val3535= (NM_201379.3); c.11082G>A, p.Val3694= (NM_201380.4); c.10575G>A, p.Val3525= (NM_201381.3); c.10671G>A, p.Val3557= (NM_201382.4); c.10683G>A, p.Val3561= (NM_201383.3).
Identifiers: ClinVar variation 471518 (VCV000471518.17), dbSNP rs782571355, ClinGen allele CA4924567.